The following is an entry in ClinVar:

NM_015107.3(PHF8):c.2649+739A>C

Gene: PHF8 (PHD finger protein 8; minus strand). Cytogenetic location: Xp11.22.
Variant type: single nucleotide variant.
Coding change: c.2649+739A>C on transcript NM_015107.3 (MANE Select); 739 bases into the intron after coding-DNA position 2649, A replaced by C.
Molecular consequence: intron variant. On other transcripts: missense variant (3).
Genome position (GRCh38, 1-based): chrX:53,943,395, T>G on the plus strand (A>C on the coding strand, the complement: PHF8 is on the minus strand). VCF-style: chrX-53943395-T-G. GRCh37 (hg19) VCF-style: chrX-53969828-T-G.
Other names: c.2606A>C, p.Lys869Thr (NM_001184898.2); c.2765A>C, p.Lys922Thr (NM_001441097.1); c.2462A>C, p.Lys821Thr (NM_001441098.1); c.2454+739A>C (NM_001441096.1); c.2757+739A>C (NM_001184896.1); c.2346+739A>C (NM_001184897.2); short protein forms K821T, K922T, K869T.
Identifiers: ClinVar variation 4986874 (VCV004986874.1).

ClinVar aggregate classification (germline): Likely benign (1 of 4 stars; one submission).

Conditions:
PHF8-related disorder. Also called: PHF8-related condition.

Submission:

PreventionGenetics, part of Exact Sciences
Classification: Likely benign for PHF8-related condition. Last evaluated: 2026-09-03. Review status: criteria provided, single submitter. Criteria: ACMG Guidelines, 2015. Collection method: clinical testing. Allele origin: germline.
Comment: This variant is classified as likely benign based on ACMG/AMP sequence variant interpretation guidelines (Richards et al. 2015 PMID: 25741868, with internal and published modifications).